The following is an entry in ClinVar:

NM_000257.4(MYH7):c.5310G>A (p.Lys1770=)

Gene: MYH7 (myosin heavy chain 7; minus strand). Cytogenetic location: 14q11.2.
Variant type: single nucleotide variant.
Coding change: c.5310G>A on transcript NM_000257.4 (MANE Select); coding-DNA position 5310, G replaced by A.
Protein change: p.Lys1770=; no amino-acid change (lysine 1770 retained).
Molecular consequence: synonymous variant.
Genome position (GRCh38, 1-based): chr14:23,415,244, C>T on the plus strand (G>A on the coding strand, the complement: MYH7 is on the minus strand). VCF-style: chr14-23415244-C-T. GRCh37 (hg19) VCF-style: chr14-23884453-C-T.
Identifiers: ClinVar variation 1331914 (VCV001331914.3), dbSNP rs746667903, ClinGen allele CA046302.
Genomic context (GRCh38, chr14:23,415,244, plus strand): 5'-AATGGTCTGTTCCATGTTCTTCTTCATGCGCTCCAGGTGGGCGCTGGTGTCCTGCTCCTT[C>T]TTCAGCTCCTCTGCCATCATGGCGGCCTGTGTGCAGGAGAGAGGTGGCACATGGTCTGGT-3'
Protein context (NP_000248.2, residues 1760-1780): TDAAMMAEEL[Lys1770=]KEQDTSAHLE

ClinVar aggregate classification (germline): Likely benign. Review status: criteria provided, multiple submitters, no conflicts (2 of 4 stars). 2 submissions from 2 submitters: Likely benign (2). Last evaluated 2024-03-25.

Conditions:
Cardiomyopathy (CMYO). Also called: Cardiomyopathies. Identifiers: Orphanet 167848, MedGen C0878544, MONDO:0004994, HP:0001638. Inheritance: Various modes of inheritance.

Allele frequency attached by ClinVar (database versions not stated): gnomAD exomes below 0.00001; ExAC 0.00001.
gnomAD v4.1: 2 of 1,614,276 alleles (0.00012%); highest among the groups gnomAD compares: Non-Finnish European, 0.00017%; no homozygotes.

Submissions (2):

All of Us Research Program, National Institutes of Health
Classification: Likely benign for Cardiomyopathy. Last evaluated: 2024-03-25. Review status: criteria provided, single submitter. Criteria: ACMG Guidelines, 2015. Collection method: clinical testing. Allele origin: germline. Inheritance: Autosomal dominant inheritance. Observed: 2 variant alleles, 2 heterozygotes.
Comment: This study involves interpretation of variants in research participants for the purpose of population health screening. Participant phenotype was not available at the time of variant classification. Additional details can be found in publication PMID: 35346344, PMCID: PMC8962531

Color Diagnostics, LLC DBA Color Health
Classification: Likely benign for Cardiomyopathy. Last evaluated: 2021-04-19. Review status: criteria provided, single submitter. Criteria: ACMG Guidelines, 2015. Collection method: clinical testing. Allele origin: germline.